The following is an entry in ClinVar:

ClinVar aggregate classification (germline): Pathogenic/Likely pathogenic. Review status: criteria provided, multiple submitters, no conflicts (2 of 4 stars). 4 submissions from 4 submitters: Pathogenic (2); Likely pathogenic (1). 1 of the submissions does not count toward it. Last evaluated 2026-01-10.

Conditions:
GUCY2D-related disorder. Also called: GUCY2D-related condition.
Leber congenital amaurosis 1 (LCA1). Also called: AMAUROSIS CONGENITA OF LEBER I; RETINAL BLINDNESS, CONGENITAL; Congenital absence of the rods and cones; Leber's congenital tapetoretinal degeneration; Leber's congenital tapetoretinal dysplasia. Identifiers: Orphanet 65, MedGen C2931258, MONDO:0008764, OMIM 204000.
Cone-rod dystrophy 6 (CORD6). Also called: RETINAL CONE DYSTROPHY 2; Cone dystrophy progressive. Identifiers: Orphanet 1872, MedGen C1866293, MONDO:0011143, OMIM 601777.

Allele frequency attached by ClinVar (database versions not stated): ExAC 0.00001; gnomAD 0.00001; TOPMed 0.00001; 1000 Genomes Project 30x 0.00016; 1000 Genomes Project 0.00020.

Submissions (4):

PreventionGenetics, part of Exact Sciences
Classification: Likely pathogenic for GUCY2D-related condition. Last evaluated: 2026-01-10. Review status: criteria provided, single submitter. Criteria: ACMG Guidelines, 2015. Collection method: clinical testing. Allele origin: germline.
Comment: The GUCY2D c.2598G>C variant is predicted to result in the amino acid substitution p.Lys866Asn. This variant has been reported in the compound heterozygous state in individuals with Leber congenital amaurosis (LCA; Coppieters et al. 2010. PubMed ID: 20683928; Skorczyk-Werner et al. 2022. PubMed ID: 36369640). It has been reported in an additional LCA patient with two other potentially pathogenic variants (Sallum et al. 2020. PubMed ID: 32865313). This variant has not been reported in a large population database (gnomAD), indicating this variant is rare. This variant is interpreted as likely pathogenic.

Labcorp Genetics (formerly Invitae), Labcorp
Classification: Pathogenic for Leber congenital amaurosis 1; Cone-rod dystrophy 6. Last evaluated: 2025-06-12. Review status: criteria provided, single submitter. Criteria: Invitae Variant Classification Sherloc (09022015). Collection method: clinical testing. Allele origin: germline.
Comment: This sequence change replaces lysine, which is basic and polar, with asparagine, which is neutral and polar, at codon 866 of the GUCY2D protein (p.Lys866Asn). This variant is present in population databases (rs201587670, gnomAD 0.003%). This missense change has been observed in individual(s) with Leber congenital amaurosis (PMID: 20683928, 32865313; internal data). In at least one individual the data is consistent with being in trans (on the opposite chromosome) from a pathogenic variant. ClinVar contains an entry for this variant (Variation ID: 471238). Invitae Evidence Modeling of protein sequence and biophysical properties (such as structural, functional, and spatial information, amino acid conservation, physicochemical variation, residue mobility, and thermodynamic stability) has been performed for this missense variant. However, the output from this modeling did not meet the statistical confidence thresholds required to predict the impact of this variant on GUCY2D protein function. For these reasons, this variant has been classified as Pathogenic.

Mendelics
Classification: Pathogenic for Cone-rod dystrophy 6. Last evaluated: 2019-05-28. Review status: criteria provided, single submitter. Criteria: Mendelics Assertion Criteria 2017. Collection method: clinical testing. Allele origin: unknown.

Laboratory of Genetics in Ophthalmology, Institut Imagine
Classification: Likely pathogenic for Leber congenital amaurosis 1. Review status: no assertion criteria provided. Collection method: research. Allele origin: inherited. Affected: yes. Observed: 1 variant allele. Not counted in ClinVar's aggregate classification.

Literature cited by the submitters: PubMed 20683928 (cited by Labcorp Genetics (formerly Invitae), Labcorp and Laboratory of Genetics in Ophthalmology, Institut Imagine); PubMed 32865313 (cited by Labcorp Genetics (formerly Invitae), Labcorp).

NM_000180.4(GUCY2D):c.2598G>C (p.Lys866Asn)

Gene: GUCY2D (guanylate cyclase 2D, retinal; plus strand). Cytogenetic location: 17p13.1.
Variant type: single nucleotide variant.
Coding change: c.2598G>C on transcript NM_000180.4 (MANE Select); coding-DNA position 2598, G replaced by C.
Protein change: p.Lys866Asn; replaces lysine 866 with asparagine.
Molecular consequence: missense variant.
Genome position (GRCh38, 1-based): chr17:8,014,880, G>C. VCF-style: chr17-8014880-G-C. GRCh37 (hg19) VCF-style: chr17-7918198-G-C.
Other names: short protein forms K866N.
Identifiers: ClinVar variation 471238 (VCV000471238.12), dbSNP rs201587670, ClinGen allele CA8366175.
Genomic context (GRCh38, chr17:8,014,880, plus strand): 5'-GAGTGGCCCCCAGGTGACCTCACTGCCTGCCATCCCTAGGTCTGTGGCTGAGGCCTTGAA[G>C]ACGGGGACACCAGTGGAGCCCGAGTACTTTGAGCAAGTGACACTGTACTTTAGTGACATT-3'
Protein context (NP_000171.1, residues 856-876): MLPPSVAEAL[Lys866Asn]TGTPVEPEYF